The following is an entry in ClinVar:

NM_000023.4(SGCA):c.37+5G>T

Gene: SGCA (sarcoglycan alpha; plus strand). Cytogenetic location: 17q21.33.
Variant type: single nucleotide variant.
Coding change: c.37+5G>T on transcript NM_000023.4 (MANE Select); 5 bases into the intron after coding-DNA position 37, G replaced by T.
Molecular consequence: intron variant.
Genome position (GRCh38, 1-based): chr17:50,166,082, G>T. VCF-style: chr17-50166082-G-T. GRCh37 (hg19) VCF-style: chr17-48243443-G-T.
Other names: NR_135553.2:n.73+5G>T; c.37+5G>T (NM_001135697.3).
Identifiers: ClinVar variation 2500952 (VCV002500952.2), dbSNP rs1408854399, ClinGen allele CA2573332048.

ClinVar aggregate classification (germline): Uncertain significance. Review status: criteria provided, multiple submitters, no conflicts (2 of 4 stars). 2 submissions from 2 submitters: Uncertain significance (2). Last evaluated 2024-08-01.

Conditions:
Autosomal recessive limb-girdle muscular dystrophy type 2D (LGMDR3). Also called: MUSCULAR DYSTROPHY, LIMB-GIRDLE, AUTOSOMAL RECESSIVE 3; ADHALINOPATHY, PRIMARY; DUCHENNE-LIKE AUTOSOMAL RECESSIVE MUSCULAR DYSTROPHY, TYPE 2. Identifiers: Orphanet 62, MedGen C2936332, MONDO:0011968, OMIM 608099. Disease mechanism: Affects gamma-sarcoglycan and also disrupts the integrity of the entire sarcoglycan complex..

Submissions (2):

3billion
Classification: Uncertain significance for Autosomal recessive limb-girdle muscular dystrophy type 2D. Last evaluated: 2024-08-01. Review status: criteria provided, single submitter. Criteria: ACMG Guidelines, 2015. Collection method: clinical testing. Allele origin: germline. Affected: yes.
Comment: The variant is not observed in the gnomAD v4.0.0 dataset. Predicted Consequence/Location: Intron variant In silico tools predict the variant to alter splicing and produce an abnormal transcript [SpliceAI: 0.70 (>=0.2, moderate evidence for spliceogenicity)]. The variant has been reported as of uncertain significance (ClinVar ID: VCV002500952). Therefore, this variant is classified as VUS according to the recommendation of ACMG/AMP guideline.

Broad Center for Mendelian Genomics, Broad Institute of MIT and Harvard
Classification: Uncertain significance for Autosomal recessive limb-girdle muscular dystrophy type 2D. Last evaluated: 2023-05-02. Review status: criteria provided, single submitter. Criteria: ACMG Guidelines, 2015. Collection method: curation. Allele origin: germline. Inheritance: Autosomal recessive inheritance.
Comment: The c.37+5G>T variant in SGCA has not been previously reported in individuals with autosomal recessive limb-girdle muscular dystrophy 3. This variant was absent from large population studies. This variant is located in the 5' splice region. Computational tools predict a splicing impact, though this information is not predictive enough to determine pathogenicity. In summary, the clinical significance of the c.37+5G>T variant is uncertain. ACMG/AMP Criteria applied: PM2_Supporting, PM3_Supporting, PP3 (Richards 2015).